The following is an entry in ClinVar:

ClinVar aggregate classification (germline): Uncertain significance (1 of 4 stars; one submission).

Submission:

Quest Diagnostics Nichols Institute San Juan Capistrano
Classification: Uncertain significance. Last evaluated: 2024-05-16. Review status: criteria provided, single submitter. Criteria: Quest Diagnostics criteria. Collection method: clinical testing. Allele origin: unknown.
Comment: The FANCA c.3033C>T (p.Arg1011=) synonymous variant has been reported in the published literature in an individual with hereditary cancer syndrome (PMID: 32235514 (2020)). This variant has not been reported in large, multi-ethnic general populations (Genome Aggregation Database). Analysis of this variant using software algorithms for the prediction of the effect of nucleotide changes on splicing yielded predictions that this variant does not affect FANCA mRNA splicing. Based on the available information, we are unable to determine the clinical significance of this variant.

Literature cited by the submitters: PubMed 32235514.

NM_000135.4(FANCA):c.3033C>T (p.Arg1011=)

Gene: FANCA (FA complementation group A; minus strand). Cytogenetic location: 16q24.3.
Variant type: single nucleotide variant.
Coding change: c.3033C>T on transcript NM_000135.4 (MANE Select); coding-DNA position 3033, C replaced by T.
Protein change: p.Arg1011=; no amino-acid change (arginine 1011 retained).
Molecular consequence: synonymous variant.
Genome position (GRCh38, 1-based): chr16:89,752,171, G>A on the plus strand (C>T on the coding strand, the complement: FANCA is on the minus strand). VCF-style: chr16-89752171-G-A. GRCh37 (hg19) VCF-style: chr16-89818579-G-A.
Other names: c.3033C>T, p.Arg1011= (NM_001286167.3).
Identifiers: ClinVar variation 3572395 (VCV003572395.1).